The following is an entry in ClinVar:

ClinVar aggregate classification (germline): Uncertain significance (1 of 4 stars; one submission).

Conditions:
Congenital myasthenic syndrome 2A. Also called: Myasthenic syndrome, congenital, 2a, slow-channel. Identifiers: Orphanet 590, MedGen C4225374, MONDO:0014581, OMIM 616313.

Allele frequency attached by ClinVar (database versions not stated): gnomAD exomes below 0.00001; TOPMed below 0.00001.
gnomAD v4.1: 6 of 1,614,164 alleles (0.00037%); highest among the groups gnomAD compares: East Asian, 0.0089%; no homozygotes.

Submission:

Labcorp Genetics (formerly Invitae), Labcorp
Classification: Uncertain significance for Congenital myasthenic syndrome 2A. Last evaluated: 2026-01-14. Review status: criteria provided, single submitter. Criteria: Invitae Variant Classification Sherloc (09022015). Collection method: clinical testing. Allele origin: germline.
Comment: This sequence change replaces tyrosine, which is neutral and polar, with cysteine, which is neutral and slightly polar, at codon 172 of the CHRNB1 protein (p.Tyr172Cys). This variant is present in population databases (no rsID available, gnomAD 0.01%). This variant has not been reported in the literature in individuals affected with CHRNB1-related conditions. ClinVar contains an entry for this variant (Variation ID: 2191849). Invitae Evidence Modeling of protein sequence and biophysical properties (such as structural, functional, and spatial information, amino acid conservation, physicochemical variation, residue mobility, and thermodynamic stability) indicates that this missense variant is not expected to disrupt CHRNB1 protein function with a negative predictive value of 80%. In summary, the available evidence is currently insufficient to determine the role of this variant in disease. Therefore, it has been classified as a Variant of Uncertain Significance.

NM_000747.3(CHRNB1):c.515A>G (p.Tyr172Cys)

Gene: CHRNB1 (cholinergic receptor nicotinic beta 1 subunit; plus strand). Cytogenetic location: 17p13.1.
Variant type: single nucleotide variant.
Coding change: c.515A>G on transcript NM_000747.3 (MANE Select); coding-DNA position 515, A replaced by G.
Protein change: p.Tyr172Cys; replaces tyrosine 172 with cysteine.
Molecular consequence: missense variant.
Genome position (GRCh38, 1-based): chr17:7,447,555, A>G. VCF-style: chr17-7447555-A-G. GRCh37 (hg19) VCF-style: chr17-7350874-A-G.
Other names: short protein forms Y172C.
Identifiers: ClinVar variation 2191849 (VCV002191849.4), dbSNP rs1467350085, ClinGen allele CA397792756.